The following is an entry in ClinVar:

ClinVar aggregate classification (germline): Uncertain significance. Review status: criteria provided, multiple submitters, no conflicts (2 of 4 stars). 3 submissions from 3 submitters: Uncertain significance (3). Last evaluated 2024-07-23.

Conditions:
Hereditary cancer-predisposing syndrome. Also called: Tumor predisposition; Hereditary Cancer Syndrome; Neoplastic Syndromes, Hereditary; Hereditary neoplastic syndrome. Identifiers: Orphanet 140162, MedGen C0027672, MeSH D009386, MONDO:0015356.
Breast-ovarian cancer, familial, susceptibility to, 4. Identifiers: Orphanet 145, MedGen C3280345, MONDO:0013669, OMIM 614291.

Submissions (3):

Labcorp Genetics (formerly Invitae), Labcorp
Classification: Uncertain significance for Breast-ovarian cancer, familial, susceptibility to, 4. Last evaluated: 2024-07-23. Review status: criteria provided, single submitter. Criteria: Invitae Variant Classification Sherloc (09022015). Collection method: clinical testing. Allele origin: germline.
Comment: This sequence change replaces glutamine, which is neutral and polar, with histidine, which is basic and polar, at codon 229 of the RAD51D protein (p.Gln229His). This variant is not present in population databases (gnomAD no frequency). This variant has not been reported in the literature in individuals affected with RAD51D-related conditions. ClinVar contains an entry for this variant (Variation ID: 482187). Advanced modeling of protein sequence and biophysical properties (such as structural, functional, and spatial information, amino acid conservation, physicochemical variation, residue mobility, and thermodynamic stability) performed at Invitae indicates that this missense variant is not expected to disrupt RAD51D protein function with a negative predictive value of 80%. In summary, the available evidence is currently insufficient to determine the role of this variant in disease. Therefore, it has been classified as a Variant of Uncertain Significance.

Blueprint Genetics
Classification: Uncertain significance. Last evaluated: 2023-03-28. Review status: criteria provided, single submitter. Criteria: ACMG Guidelines, 2015. Collection method: clinical testing. Allele origin: germline.

Ambry Genetics
Classification: Uncertain significance for Hereditary cancer-predisposing syndrome. Last evaluated: 2021-04-20. Review status: criteria provided, single submitter. Criteria: Ambry Variant Classification Scheme 2023. Collection method: clinical testing. Allele origin: germline.
Comment: The p.Q229H variant (also known as c.687G>C), located in coding exon 8 of the RAD51D gene, results from a G to C substitution at nucleotide position 687. The glutamine at codon 229 is replaced by histidine, an amino acid with highly similar properties. This amino acid position is highly conserved in available vertebrate species. In addition, the in silico prediction for this alteration is inconclusive. Since supporting evidence is limited at this time, the clinical significance of this alteration remains unclear.

NM_002878.4(RAD51D):c.687G>C (p.Gln229His)

Genes: RAD51D (RAD51 paralog D; minus strand), RAD51L3-RFFL (RAD51L3-RFFL readthrough; minus strand). Cytogenetic location: 17q12.
Variant type: single nucleotide variant.
Coding change: c.687G>C on transcript NM_002878.4 (MANE Select); coding-DNA position 687, G replaced by C.
Protein change: p.Gln229His; replaces glutamine 229 with histidine.
Molecular consequence: missense variant. On other transcripts: non-coding transcript variant (3).
Genome position (GRCh38, 1-based): chr17:35,103,305, C>G on the plus strand (G>C on the coding strand, the complement: RAD51D is on the minus strand). VCF-style: chr17-35103305-C-G. GRCh37 (hg19) VCF-style: chr17-33430324-C-G.
Other names: c.747G>C, p.Gln249His (NM_001142571.2); c.351G>C, p.Gln117His (NM_133629.3); short protein forms Q229H, Q117H, Q249H.
Identifiers: ClinVar variation 482187 (VCV000482187.13), dbSNP rs1555567528, ClinGen allele CA399087702.
Genomic context (GRCh38, chr17:35,103,305, plus strand): 5'-CTTCCTCACCACCACTGCCATGCCAAGGTCCCGGGCCAGGGTCTTCAGCTCTCGGGCCAG[C>G]TGCATCATCAAGGCCAAGCCTGCAGGAGGAGGAGAAGCAGAGAGGGAGGGCAGTGGGGAA-3'
Protein context (NP_002869.3, residues 219-239): QQREGLALMM[Gln229His]LARELKTLAR